The following is an entry in ClinVar:

ClinVar aggregate classification (germline): Uncertain significance (1 of 4 stars; one submission).

Conditions:
Familial cancer of breast. Also called: Hereditary breast cancer; BREAST CANCER, FAMILIAL; hereditary breast carcinoma. Identifiers: Orphanet 227535, MedGen C0346153, MONDO:0016419, OMIM 114480. Disease mechanism: loss of function.

Submission:

Labcorp Genetics (formerly Invitae), Labcorp
Classification: Uncertain significance for Familial cancer of breast. Last evaluated: 2022-12-25. Review status: criteria provided, single submitter. Criteria: Invitae Variant Classification Sherloc (09022015). Collection method: clinical testing. Allele origin: germline.
Comment: This sequence change replaces lysine, which is basic and polar, with glutamic acid, which is acidic and polar, at codon 520 of the CHEK2 protein (p.Lys520Glu). This variant is not present in population databases (gnomAD no frequency). This variant has not been reported in the literature in individuals affected with CHEK2-related conditions. Algorithms developed to predict the effect of missense changes on protein structure and function are either unavailable or do not agree on the potential impact of this missense change (SIFT: "Deleterious"; PolyPhen-2: "Probably Damaging"; Align-GVGD: "Class C0"). In summary, the available evidence is currently insufficient to determine the role of this variant in disease. Therefore, it has been classified as a Variant of Uncertain Significance.

NM_007194.4(CHEK2):c.1558A>G (p.Lys520Glu)

Gene: CHEK2 (checkpoint kinase 2; minus strand). Cytogenetic location: 22q12.1.
Variant type: single nucleotide variant.
Coding change: c.1558A>G on transcript NM_007194.4 (MANE Select); coding-DNA position 1558, A replaced by G.
Protein change: p.Lys520Glu; replaces lysine 520 with glutamic acid.
Molecular consequence: missense variant.
Genome position (GRCh38, 1-based): chr22:28,687,971, T>C on the plus strand (A>G on the coding strand, the complement: CHEK2 is on the minus strand). VCF-style: chr22-28687971-T-C. GRCh37 (hg19) VCF-style: chr22-29083959-T-C.
Other names: c.1687A>G, p.Lys563Glu (NM_001005735.3); c.895A>G, p.Lys299Glu (NM_001257387.3); c.1357A>G, p.Lys453Glu (NM_001349956.3); c.1471A>G, p.Lys491Glu (NM_145862.3); short protein forms K299E, K491E, K520E, K453E, K563E.
Identifiers: ClinVar variation 2824175 (VCV002824175.3), dbSNP rs1555911613, ClinGen allele CA411091412.